The following is an entry in ClinVar:

ClinVar aggregate classification (germline): Uncertain significance (1 of 4 stars; one submission).

Conditions:
DNA ligase IV deficiency. Identifiers: Orphanet 99812, MedGen C1847827, MONDO:0011686, OMIM 606593.

Submission:

Labcorp Genetics (formerly Invitae), Labcorp
Classification: Uncertain significance for DNA ligase IV deficiency. Last evaluated: 2022-07-19. Review status: criteria provided, single submitter. Criteria: Invitae Variant Classification Sherloc (09022015). Collection method: clinical testing. Allele origin: germline.
Comment: In summary, the available evidence is currently insufficient to determine the role of this variant in disease. Therefore, it has been classified as a Variant of Uncertain Significance. Algorithms developed to predict the effect of missense changes on protein structure and function (SIFT, PolyPhen-2, Align-GVGD) all suggest that this variant is likely to be disruptive. ClinVar contains an entry for this variant (Variation ID: 1406648). This variant has not been reported in the literature in individuals affected with LIG4-related conditions. This variant is not present in population databases (gnomAD no frequency). This sequence change replaces arginine, which is basic and polar, with serine, which is neutral and polar, at codon 385 of the LIG4 protein (p.Arg385Ser).

NM_206937.2(LIG4):c.1155G>C (p.Arg385Ser)

Gene: LIG4 (DNA ligase 4; minus strand). Cytogenetic location: 13q33.3.
Variant type: single nucleotide variant.
Coding change: c.1155G>C on transcript NM_206937.2 (MANE Select); coding-DNA position 1155, G replaced by C.
Protein change: p.Arg385Ser; replaces arginine 385 with serine.
Molecular consequence: missense variant.
Genome position (GRCh38, 1-based): chr13:108,210,114, C>G on the plus strand (G>C on the coding strand, the complement: LIG4 is on the minus strand). VCF-style: chr13-108210114-C-G. GRCh37 (hg19) VCF-style: chr13-108862462-C-G.
Other names: c.1155G>C, p.Arg385Ser (NM_001098268.2, NM_001352598.2, NM_001352599.2 and 6 more transcripts); c.954G>C, p.Arg318Ser (NM_001330595.2); c.1191G>C, p.Arg397Ser (NM_001352604.2); short protein forms R318S, R385S, R397S.
Identifiers: ClinVar variation 1406648 (VCV001406648.8), dbSNP rs2138975581, ClinGen allele CA388618188.
Genomic context (GRCh38, chr13:108,210,114, plus strand): 5'-TTTCTGCACTATTTCTATTCTACCTGGAATTGGTGTAAAAATACTACTAAGAATCTCATA[C>G]CTCTTTCTCAGAGTCTCATGCCCTAGCTTTTTATTATTAACCATCAATACATCAAAAACA-3'
Protein context (NP_996820.1, residues 375-395): KKLGHETLRK[Arg385Ser]YEILSSIFTP